The following is an entry in ClinVar:

ClinVar aggregate classification (germline): not provided (0 of 4 stars; one submission).

Conditions:
Developmental and epileptic encephalopathy, 7 (DEE7). Also called: KCNQ2-Related Neonatal Epileptic Encephalopathy; Early infantile epileptic encephalopathy 7; KCNQ2-Related Neonatal-Onset Developmental and Epileptic Encephalopathy (NEO-DEE). Identifiers: Orphanet 439218, MedGen C3150986, MONDO:0013387, OMIM 613720.

Submission:

GeneReviews
No classification provided. Condition: Developmental and epileptic encephalopathy, 7. Review status: no classification provided. Collection method: literature only. Allele origin: germline. Affected: yes.
Comment: EE (epileptic encephalopathy)

Literature cited by the submitters: PubMed 25818041; NCBI Bookshelf NBK32534.

NM_172107.4(KCNQ2):c.700A>C (p.Thr234Pro)

Gene: KCNQ2 (potassium voltage-gated channel subfamily Q member 2; minus strand). Cytogenetic location: 20q13.33.
Variant type: single nucleotide variant.
Coding change: c.700A>C on transcript NM_172107.4 (MANE Select); coding-DNA position 700, A replaced by C.
Protein change: p.Thr234Pro; replaces threonine 234 with proline.
Molecular consequence: missense variant.
Genome position (GRCh38, 1-based): chr20:63,442,522, T>G on the plus strand (A>C on the coding strand, the complement: KCNQ2 is on the minus strand). VCF-style: chr20-63442522-T-G. GRCh37 (hg19) VCF-style: chr20-62073875-T-G.
Other names: c.700A>C, p.Thr234Pro (NM_004518.6, NM_172106.3, NM_172108.5 and 1 more transcripts); short protein forms T234P.
Identifiers: ClinVar variation 369759 (VCV000369759.2), dbSNP rs1057516091, ClinGen allele CA10654820.